The following is an entry in ClinVar:

ClinVar aggregate classification (germline): Likely pathogenic (0 of 4 stars; one submission).

Conditions:
Retinitis pigmentosa (RP). Identifiers: Orphanet 791, MedGen C0035334, MeSH D012174, MONDO:0019200, OMIM 268000. Inheritance: Autosomal dominant, autosomal recessive and X linked inheritance.

Allele frequency attached by ClinVar (database versions not stated): TOPMed below 0.00001; ExAC 0.00001; gnomAD 0.00001.

Submission:

Department of Ophthalmology and Visual Sciences Kyoto University
Classification: Likely pathogenic for Retinitis pigmentosa. Review status: no assertion criteria provided. Collection method: not provided. Allele origin: unknown.
ClinVar note: Converted during submission from probable-pathogenic to Likely pathogenic.

NM_001354768.3(NRL):c.23del (p.Leu8fs)

Gene: NRL (neural retina leucine zipper; minus strand). Cytogenetic location: 14q11.2.
Variant type: Deletion.
Coding change: c.23del on transcript NM_001354768.3 (MANE Select); coding-DNA position 23, one base deleted (T; older notation c.23delT).
Protein change: p.Leu8fs; shifts the reading frame from leucine 8.
Molecular consequence: frameshift variant.
Genome position (GRCh38, 1-based): chr14:24,082,826, A deleted on the plus strand (T on the coding strand, the reverse complement: NRL is on the minus strand). VCF-style (leftmost placement, unchanged base first): chr14-24082825-CA-C. GRCh37 (hg19) VCF-style: chr14-24552034-CA-C.
Other names: c.23del, p.Leu8fs (NM_001354769.1, NM_001354770.2, NM_006177.5); short protein forms L8fs.
Identifiers: ClinVar variation 143133 (VCV000143133.2), dbSNP rs527236087, ClinGen allele CA270090.